The following is an entry in ClinVar:

NM_003119.4(SPG7):c.1230C>A (p.Ile410=)

Gene: SPG7 (SPG7 matrix AAA peptidase subunit, paraplegin; plus strand). Cytogenetic location: 16q24.3.
Variant type: single nucleotide variant.
Coding change: c.1230C>A on transcript NM_003119.4 (MANE Select); coding-DNA position 1230, C replaced by A.
Protein change: p.Ile410=; no amino-acid change (isoleucine 410 retained).
Molecular consequence: synonymous variant.
Genome position (GRCh38, 1-based): chr16:89,532,542, C>A. VCF-style: chr16-89532542-C-A. GRCh37 (hg19) VCF-style: chr16-89598950-C-A.
Other names: c.1230C>A, p.Ile410= (NM_001363850.1, NM_199367.3).
Identifiers: ClinVar variation 2732025 (VCV002732025.7), dbSNP rs756619796, ClinGen allele CA8244001.
Genomic context (GRCh38, chr16:89,532,542, plus strand): 5'-GCGGAGCCTCTTTAAGGAAGCCCGAGCCCGGGCCCCCTGCATCGTCTACATCGATGAGAT[C>A]GACGCGGTGGGCAAGAAGCGCTCCACCACCATGTCCGGCTTCTCCAACACGGAGGAGGAG-3'
Protein context (NP_003110.1, residues 400-420): RAPCIVYIDE[Ile410=]DAVGKKRSTT

ClinVar aggregate classification (germline): Likely benign. Review status: criteria provided, multiple submitters, no conflicts (2 of 4 stars). 2 submissions from 2 submitters: Likely benign (2). Last evaluated 2026-03-01.

Conditions:
Hereditary spastic paraplegia 7 (SPG7). Also called: Autosomal recessive spastic paraplegia type 7; Spastic paraplegia 7; Hereditary spastic paraplegia Paraplegin type; SPASTIC PARAPLEGIA 7, AUTOSOMAL RECESSIVE, WITH OR WITHOUT CEREBELLAR ATAXIA; SPG7-related neurologic disorder. Identifiers: Orphanet 99013, MedGen C1846564, MONDO:0011803, OMIM 607259.

Allele frequency attached by ClinVar (database versions not stated): gnomAD 0.00010.
gnomAD v4.1: 31 of 1,613,632 alleles (0.0019%); highest among the groups gnomAD compares: African/African-American, 0.037%; no homozygotes.

Submissions (2):

CeGaT Center for Human Genetics Tuebingen
Classification: Likely benign. Last evaluated: 2026-03-01. Review status: criteria provided, single submitter. Criteria: CeGaT Center For Human Genetics Tuebingen Variant Classification Criteria Version 2. Collection method: clinical testing. Allele origin: germline. Affected: yes. Observed: 1 variant allele.
Comment: SPG7: BP4, BP7

Labcorp Genetics (formerly Invitae), Labcorp
Classification: Likely benign for Hereditary spastic paraplegia 7. Last evaluated: 2025-04-14. Review status: criteria provided, single submitter. Criteria: Invitae Variant Classification Sherloc (09022015). Collection method: clinical testing. Allele origin: germline.